The following is an entry in ClinVar:

ClinVar aggregate classification (germline): Uncertain significance (1 of 4 stars; one submission).

Submission:

Labcorp Genetics (formerly Invitae), Labcorp
Classification: Uncertain significance. Last evaluated: 2024-04-25. Review status: criteria provided, single submitter. Criteria: Invitae Variant Classification Sherloc (09022015). Collection method: clinical testing. Allele origin: germline.
Comment: This sequence change replaces threonine, which is neutral and polar, with serine, which is neutral and polar, at codon 228 of the ROBO1 protein (p.Thr228Ser). This variant is not present in population databases (gnomAD no frequency). This variant has not been reported in the literature in individuals affected with ROBO1-related conditions. An algorithm developed to predict the effect of missense changes on protein structure and function (PolyPhen-2) suggests that this variant is likely to be disruptive. In summary, the available evidence is currently insufficient to determine the role of this variant in disease. Therefore, it has been classified as a Variant of Uncertain Significance.

NM_002941.4(ROBO1):c.683C>G (p.Thr228Ser)

Gene: ROBO1 (roundabout guidance receptor 1; minus strand). Cytogenetic location: 3p12.3.
Variant type: single nucleotide variant.
Coding change: c.683C>G on transcript NM_002941.4 (MANE Select); coding-DNA position 683, C replaced by G.
Protein change: p.Thr228Ser; replaces threonine 228 with serine.
Molecular consequence: missense variant.
Genome position (GRCh38, 1-based): chr3:78,717,858, G>C on the plus strand (C>G on the coding strand, the complement: ROBO1 is on the minus strand). VCF-style: chr3-78717858-G-C. GRCh37 (hg19) VCF-style: chr3-78767008-G-C.
Other names: c.566C>G, p.Thr189Ser (NM_001145845.2, NM_133631.4); short protein forms T228S, T189S.
Identifiers: ClinVar variation 3633783 (VCV003633783.2).